The following is an entry in ClinVar:

ClinVar aggregate classification (germline): Uncertain significance (1 of 4 stars; one submission).

gnomAD v4.1: 1 of 1,614,230 alleles (0.000062%); highest among the groups gnomAD compares: Non-Finnish European, 0.000085%; no homozygotes.

Submission:

Labcorp Genetics (formerly Invitae), Labcorp
Classification: Uncertain significance. Last evaluated: 2025-04-09. Review status: criteria provided, single submitter. Criteria: Invitae Variant Classification Sherloc (09022015). Collection method: clinical testing. Allele origin: germline.
Comment: This sequence change replaces glutamic acid, which is acidic and polar, with aspartic acid, which is acidic and polar, at codon 2155 of the ACACA protein (p.Glu2155Asp). This variant is not present in population databases (gnomAD no frequency). This variant has not been reported in the literature in individuals affected with ACACA-related conditions. An algorithm developed to predict the effect of missense changes on protein structure and function (PolyPhen-2) suggests that this variant is likely to be tolerated. In summary, the available evidence is currently insufficient to determine the role of this variant in disease. Therefore, it has been classified as a Variant of Uncertain Significance.

NM_198834.3(ACACA):c.6576G>C (p.Glu2192Asp)

Gene: ACACA (acetyl-CoA carboxylase alpha; minus strand). Cytogenetic location: 17q12.
Variant type: single nucleotide variant.
Coding change: c.6576G>C on transcript NM_198834.3 (MANE Select); coding-DNA position 6576, G replaced by C.
Protein change: p.Glu2192Asp; replaces glutamic acid 2192 with aspartic acid.
Molecular consequence: missense variant.
Genome position (GRCh38, 1-based): chr17:37,097,974, C>G on the plus strand (G>C on the coding strand, the complement: ACACA is on the minus strand). VCF-style: chr17-37097974-C-G. GRCh37 (hg19) VCF-style: chr17-35454909-C-G.
Other names: c.6465G>C, p.Glu2155Asp (NM_198836.3, NM_198839.3); c.6291G>C, p.Glu2097Asp (NM_198837.2); c.6231G>C, p.Glu2077Asp (NM_198838.2); short protein forms E2097D, E2077D, E2192D, E2155D.
Identifiers: ClinVar variation 4716988 (VCV004716988.1).